The following is an entry in ClinVar:

ClinVar aggregate classification (germline): Uncertain significance. Review status: criteria provided, multiple submitters, no conflicts (2 of 4 stars). 3 submissions from 3 submitters: Uncertain significance (3). Last evaluated 2025-11-20.

Conditions:
Floating-Harbor syndrome (FLHS). Also called: Short stature with delayed bone age, expressive language delay, a triangular face with a prominent nose and deep-set eyes; Pelletier-Leisti syndrome; SRCAP-Related Floating-Harbor Syndrome. Identifiers: Orphanet 2044, MedGen C0729582, MONDO:0007621, OMIM 136140.
Developmental delay, hypotonia, musculoskeletal defects, and behavioral abnormalities. Identifiers: MedGen C5562012, MONDO:0859202, OMIM 619595.

gnomAD v4.1: 8 of 1,613,592 alleles (0.0005%); highest among the groups gnomAD compares: Admixed American, 0.005%; no homozygotes.

Submissions (3):

Dasa
Classification: Uncertain significance. Last evaluated: 2025-11-20. Review status: criteria provided, single submitter. Criteria: DASA Assertion Criteria. Collection method: clinical testing. Allele origin: germline.
Comment: NM_006662.3(SRCAP):c.8974A>G (p.Thr2992Ala) is a missense variant that results in the substitution of threonine with alanine. This variant is rare in population databases. Computational prediction algorithms are consistent with a benign effect. The currently available literature and clinical evidence are not sufficient to establish a definitive association between this variant and the reported condition. Therefore, this variant is classified as a variant of uncertain significance.

Fulgent Genetics
Classification: Uncertain significance for Floating-Harbor syndrome; Developmental delay, hypotonia, musculoskeletal defects, and behavioral abnormalities. Last evaluated: 2024-05-22. Review status: criteria provided, single submitter. Criteria: ACMG Guidelines, 2015. Collection method: clinical testing. Allele origin: germline.

Labcorp Genetics (formerly Invitae), Labcorp
Classification: Uncertain significance. Last evaluated: 2024-04-25. Review status: criteria provided, single submitter. Criteria: Invitae Variant Classification Sherloc (09022015). Collection method: clinical testing. Allele origin: germline.
Comment: This sequence change replaces threonine, which is neutral and polar, with alanine, which is neutral and non-polar, at codon 2992 of the SRCAP protein (p.Thr2992Ala). The frequency data for this variant in the population databases is considered unreliable, as metrics indicate poor data quality at this position in the gnomAD database. This variant has not been reported in the literature in individuals affected with SRCAP-related conditions. Advanced modeling of protein sequence and biophysical properties (such as structural, functional, and spatial information, amino acid conservation, physicochemical variation, residue mobility, and thermodynamic stability) performed at Invitae indicates that this missense variant is not expected to disrupt SRCAP protein function with a negative predictive value of 80%. In summary, the available evidence is currently insufficient to determine the role of this variant in disease. Therefore, it has been classified as a Variant of Uncertain Significance.

NM_006662.3(SRCAP):c.8974A>G (p.Thr2992Ala)

Gene: SRCAP (Snf2 related CREBBP activator protein; plus strand). Cytogenetic location: 16p11.2.
Variant type: single nucleotide variant.
Coding change: c.8974A>G on transcript NM_006662.3 (MANE Select); coding-DNA position 8974, A replaced by G.
Protein change: p.Thr2992Ala; replaces threonine 2992 with alanine.
Molecular consequence: missense variant.
Genome position (GRCh38, 1-based): chr16:30,739,014, A>G. VCF-style: chr16-30739014-A-G. GRCh37 (hg19) VCF-style: chr16-30750335-A-G.
Other names: short protein forms T2992A.
Identifiers: ClinVar variation 3580249 (VCV003580249.4).